The following is an entry in ClinVar:

NM_002734.5(PRKAR1A):c.272T>C (p.Val91Ala)

Gene: PRKAR1A (protein kinase cAMP-dependent type I regulatory subunit alpha; plus strand). Cytogenetic location: 17q24.2.
Variant type: single nucleotide variant.
Coding change: c.272T>C on transcript NM_002734.5 (MANE Select); coding-DNA position 272, T replaced by C.
Protein change: p.Val91Ala; replaces valine 91 with alanine.
Molecular consequence: missense variant.
Genome position (GRCh38, 1-based): chr17:68,522,850, T>C. VCF-style: chr17-68522850-T-C. GRCh37 (hg19) VCF-style: chr17-66518991-T-C.
Other names: c.272T>C, p.Val91Ala (NM_001276289.2, NM_001276290.1, NM_001278433.2 and 4 more transcripts); c.272T>C (NM_002734.3); short protein forms V91A.
Identifiers: ClinVar variation 4709599 (VCV004709599.2).

ClinVar aggregate classification (germline): Uncertain significance. Review status: criteria provided, multiple submitters, no conflicts (2 of 4 stars). 2 submissions from 2 submitters: Uncertain significance (2). Last evaluated 2026-04-13.

Conditions:
Carney complex, type 1 (CNC1). Also called: CARNEY MYXOMA-ENDOCRINE COMPLEX; CARNEY COMPLEX, TYPE I. Identifiers: Orphanet 1359, MedGen C2607929, MONDO:0008057, OMIM 160980.
Hereditary cancer-predisposing syndrome. Also called: Neoplastic Syndromes, Hereditary; Tumor predisposition; Hereditary Cancer Syndrome; Hereditary neoplastic syndrome. Identifiers: Orphanet 140162, MedGen C0027672, MeSH D009386, MONDO:0015356.

Submissions (2):

Ambry Genetics
Classification: Uncertain significance for Hereditary cancer-predisposing syndrome. Last evaluated: 2026-04-13. Review status: criteria provided, single submitter. Criteria: Ambry Variant Classification Scheme 2023. Collection method: clinical testing. Allele origin: germline.
Comment: The p.V91A variant (also known as c.272T>C), located in coding exon 2 of the PRKAR1A gene, results from a T to C substitution at nucleotide position 272. The valine at codon 91 is replaced by alanine, an amino acid with similar properties. This amino acid position is conserved. In addition, this alteration is predicted to be deleterious by in silico analysis. Based on the available evidence, the clinical significance of this variant remains unclear.

Labcorp Genetics (formerly Invitae), Labcorp
Classification: Uncertain significance for Carney complex, type 1. Last evaluated: 2025-07-16. Review status: criteria provided, single submitter. Criteria: Invitae Variant Classification Sherloc (09022015). Collection method: clinical testing. Allele origin: germline.
Comment: This sequence change replaces valine, which is neutral and non-polar, with alanine, which is neutral and non-polar, at codon 91 of the PRKAR1A protein (p.Val91Ala). This variant is not present in population databases (gnomAD no frequency). This variant has not been reported in the literature in individuals affected with PRKAR1A-related conditions. Invitae Evidence Modeling of protein sequence and biophysical properties (such as structural, functional, and spatial information, amino acid conservation, physicochemical variation, residue mobility, and thermodynamic stability) indicates that this missense variant is not expected to disrupt PRKAR1A protein function with a negative predictive value of 95%. In summary, the available evidence is currently insufficient to determine the role of this variant in disease. Therefore, it has been classified as a Variant of Uncertain Significance.